The following is an entry in ClinVar:

ClinVar aggregate classification (germline): Conflicting classifications of pathogenicity. Review status: criteria provided, conflicting classifications (1 of 4 stars). 3 submissions from 3 submitters: Uncertain significance (1); Likely benign (2). Last evaluated 2025-11-28.

Conditions:
GUCY2D-related disorder. Also called: GUCY2D-related condition.
Leber congenital amaurosis 1 (LCA1). Also called: AMAUROSIS CONGENITA OF LEBER I; Congenital absence of the rods and cones; Leber's congenital tapetoretinal degeneration; Leber's congenital tapetoretinal dysplasia; RETINAL BLINDNESS, CONGENITAL. Identifiers: Orphanet 65, MedGen C2931258, MONDO:0008764, OMIM 204000.
Cone-rod dystrophy 6 (CORD6). Also called: Cone dystrophy progressive; RETINAL CONE DYSTROPHY 2. Identifiers: Orphanet 1872, MedGen C1866293, MONDO:0011143, OMIM 601777.

Allele frequency attached by ClinVar (database versions not stated): TOPMed 0.00002; gnomAD exomes 0.00003; ExAC 0.00005.
gnomAD v4.1: 18 of 1,612,778 alleles (0.0011%); highest among the groups gnomAD compares: Admixed American, 0.017%; no homozygotes.

Submissions (3):

Labcorp Genetics (formerly Invitae), Labcorp
Classification: Likely benign for Leber congenital amaurosis 1; Cone-rod dystrophy 6. Last evaluated: 2025-11-28. Review status: criteria provided, single submitter. Criteria: Invitae Variant Classification Sherloc (09022015). Collection method: clinical testing. Allele origin: germline.

PreventionGenetics, part of Exact Sciences
Classification: Likely benign for GUCY2D-related condition. Last evaluated: 2025-09-10. Review status: criteria provided, single submitter. Criteria: ACMG Guidelines, 2015. Collection method: clinical testing. Allele origin: germline.
Comment: This variant is classified as likely benign based on ACMG/AMP sequence variant interpretation guidelines (Richards et al. 2015 PMID: 25741868, with internal and published modifications).

Breakthrough Genomics
Classification: Uncertain significance. Review status: criteria provided, single submitter. Criteria: ACMG Guidelines, 2015. Collection method: not provided. Allele origin: germline. Inheritance: Autosomal recessive inheritance. Affected: yes.

NM_000180.4(GUCY2D):c.3006G>A (p.Thr1002=)

Gene: GUCY2D (guanylate cyclase 2D, retinal; plus strand). Cytogenetic location: 17p13.1.
Variant type: single nucleotide variant.
Coding change: c.3006G>A on transcript NM_000180.4 (MANE Select); coding-DNA position 3006, G replaced by A.
Protein change: p.Thr1002=; no amino-acid change (threonine 1002 retained).
Molecular consequence: synonymous variant.
Genome position (GRCh38, 1-based): chr17:8,015,804, G>A. VCF-style: chr17-8015804-G-A. GRCh37 (hg19) VCF-style: chr17-7919122-G-A.
Other names: c.3006G>A (NM_000180.3).
Identifiers: ClinVar variation 1516826 (VCV001516826.10), dbSNP rs764749298, ClinGen allele CA8366277.